The following is an entry in ClinVar:

NM_001999.4(FBN2):c.2479C>A (p.Arg827=)

Gene: FBN2 (fibrillin 2; minus strand). Cytogenetic location: 5q23.3.
Variant type: single nucleotide variant.
Coding change: c.2479C>A on transcript NM_001999.4 (MANE Select); coding-DNA position 2479, C replaced by A.
Protein change: p.Arg827=; no amino-acid change (arginine 827 retained).
Molecular consequence: synonymous variant.
Genome position (GRCh38, 1-based): chr5:128,361,798, G>T on the plus strand (C>A on the coding strand, the complement: FBN2 is on the minus strand). VCF-style: chr5-128361798-G-T. GRCh37 (hg19) VCF-style: chr5-127697491-G-T.
Identifiers: ClinVar variation 3061702 (VCV003061702.2), dbSNP rs574985859, ClinGen allele CA127029999.

ClinVar aggregate classification (germline): Likely benign (0 of 4 stars; one submission).

Conditions:
FBN2-related disorder. Also called: FBN2-related condition.

Submission:

PreventionGenetics, part of Exact Sciences
Classification: Likely benign for FBN2-related condition. Last evaluated: 2021-09-13. Review status: no assertion criteria provided. Collection method: clinical testing. Allele origin: germline.
Comment: This variant is classified as likely benign based on ACMG/AMP sequence variant interpretation guidelines (Richards et al. 2015 PMID: 25741868, with internal and published modifications).